The following is an entry in ClinVar:

ClinVar aggregate classification (germline): Pathogenic (1 of 4 stars; one submission).

Submission:

Labcorp Genetics (formerly Invitae), Labcorp
Classification: Pathogenic. Last evaluated: 2021-11-20. Review status: criteria provided, single submitter. Criteria: Invitae Variant Classification Sherloc (09022015). Collection method: clinical testing. Allele origin: germline.
Comment: For these reasons, this variant has been classified as Pathogenic. This variant has not been reported in the literature in individuals affected with LAMC2-related conditions. This variant is not present in population databases (gnomAD no frequency). This sequence change creates a premature translational stop signal (p.Phe505Leufs*7) in the LAMC2 gene. It is expected to result in an absent or disrupted protein product. Loss-of-function variants in LAMC2 are known to be pathogenic (PMID: 11907499, 16473856).

Literature cited by the submitters: PubMed 11907499; PubMed 16473856.

NM_005562.3(LAMC2):c.1515del (p.Phe505fs)

Gene: LAMC2 (laminin subunit gamma 2; plus strand). Cytogenetic location: 1q25.3.
Variant type: Deletion.
Coding change: c.1515del on transcript NM_005562.3 (MANE Select); coding-DNA position 1515, one base deleted (T; older notation c.1515delT).
Protein change: p.Phe505fs; shifts the reading frame from phenylalanine 505.
Molecular consequence: frameshift variant.
Genome position (GRCh38, 1-based): chr1:183,228,420, T deleted; the last of 3 consecutive T bases (chr1:183,228,418-183,228,420); deleting any one gives the same sequence. VCF-style (leftmost placement, unchanged base first): chr1-183228417-CT-C. GRCh37 (hg19) VCF-style: chr1-183197552-CT-C.
Other names: c.1515del, p.Phe505fs (NM_018891.3); short protein forms F505fs.
Identifiers: ClinVar variation 1396083 (VCV001396083.6), dbSNP rs2102233137, ClinGen allele CA2573131314.